The following is an entry in ClinVar:

NM_152672.6(SLC51A):c.154G>A (p.Ala52Thr)

Gene: SLC51A (solute carrier family 51 member A; plus strand). Cytogenetic location: 3q29.
Variant type: single nucleotide variant.
Coding change: c.154G>A on transcript NM_152672.6 (MANE Select); coding-DNA position 154, G replaced by A.
Protein change: p.Ala52Thr; replaces alanine 52 with threonine.
Molecular consequence: missense variant.
Genome position (GRCh38, 1-based): chr3:196,226,985, G>A. VCF-style: chr3-196226985-G-A. GRCh37 (hg19) VCF-style: chr3-195953856-G-A.
Other names: short protein forms A52T.
Identifiers: ClinVar variation 4986575 (VCV004986575.1).
Genomic context (GRCh38, chr3:196,226,985, plus strand): 5'-TCAGTCCCGGTCGTCAGCTCTCTGCCTTCTCCTCCTCTAGCCCTGGGCCCTGTGGAACTT[G>A]CCCTCACTAGCATCCTGACCTTGCTGGCGCTGGGCTCCATTGCCATCTTCCTGGAGGATG-3'
Protein context (NP_689885.4, residues 42-62): LLRALGPVEL[Ala52Thr]LTSILTLLAL

ClinVar aggregate classification (germline): Uncertain significance (1 of 4 stars; one submission).

Conditions:
SLC51A-related disorder. Also called: SLC51A-related condition.

Submission:

PreventionGenetics, part of Exact Sciences
Classification: Uncertain significance for SLC51A-related condition. Last evaluated: 2025-10-23. Review status: criteria provided, single submitter. Criteria: ACMG Guidelines, 2015. Collection method: clinical testing. Allele origin: germline.
Comment: The SLC51A c.154G>A variant is predicted to result in the amino acid substitution p.Ala52Thr. To our knowledge, this variant has not been reported in the literature. This variant is reported in 0.043% of alleles in individuals of South Asian descent in gnomAD. At this time, the clinical significance of this variant is uncertain due to the absence of conclusive functional and genetic evidence.